The following is an entry in ClinVar:

ClinVar aggregate classification (germline): Uncertain significance (1 of 4 stars; one submission).

gnomAD v4.1: 3 of 1,614,096 alleles (0.00019%); highest among the groups gnomAD compares: Non-Finnish European, 0.00017%; no homozygotes.

Submission:

GeneDx
Classification: Uncertain significance. Last evaluated: 2026-05-19. Review status: criteria provided, single submitter. Criteria: GeneDx Variant Classification Process June 2021. Collection method: clinical testing. Allele origin: germline.
Comment: Not observed at significant frequency in large population cohorts (gnomAD); In silico analysis supports that this missense variant has a deleterious effect on protein structure/function; Has not been previously published as pathogenic or benign to our knowledge

NM_001042681.2(RERE):c.1970A>G (p.Asp657Gly)

Gene: RERE (arginine-glutamic acid dipeptide repeats; minus strand). Cytogenetic location: 1p36.23.
Variant type: single nucleotide variant.
Coding change: c.1970A>G on transcript NM_001042681.2 (MANE Select); coding-DNA position 1970, A replaced by G.
Protein change: p.Asp657Gly; replaces aspartic acid 657 with glycine.
Molecular consequence: missense variant.
Genome position (GRCh38, 1-based): chr1:8,361,809, T>C on the plus strand (A>G on the coding strand, the complement: RERE is on the minus strand). VCF-style: chr1-8361809-T-C. GRCh37 (hg19) VCF-style: chr1-8421869-T-C.
Other names: c.308A>G, p.Asp103Gly (NM_001042682.2); c.1970A>G, p.Asp657Gly (NM_012102.4); short protein forms D103G, D657G.
Identifiers: ClinVar variation 4755604 (VCV004755604.2).